The following is an entry in ClinVar:

NM_005896.4(IDH1):c.971A>G (p.Glu324Gly)

Gene: IDH1 (isocitrate dehydrogenase (NADP(+)) 1; minus strand). Cytogenetic location: 2q34.
Variant type: single nucleotide variant.
Coding change: c.971A>G on transcript NM_005896.4 (MANE Select); coding-DNA position 971, A replaced by G.
Protein change: p.Glu324Gly; replaces glutamic acid 324 with glycine.
Molecular consequence: missense variant.
Genome position (GRCh38, 1-based): chr2:208,239,883, T>C on the plus strand (A>G on the coding strand, the complement: IDH1 is on the minus strand). VCF-style: chr2-208239883-T-C. GRCh37 (hg19) VCF-style: chr2-209104607-T-C.
Other names: c.971A>G, p.Glu324Gly (NM_001282386.1, NM_001282387.1); short protein forms E324G.
Identifiers: ClinVar variation 3527519 (VCV003527519.1).

ClinVar aggregate classification (germline): Uncertain significance (1 of 4 stars; one submission).

Submission:

Ambry Genetics
Classification: Uncertain significance. Last evaluated: 2024-11-01. Review status: criteria provided, single submitter. Criteria: Ambry Variant Classification Scheme 2023. Collection method: clinical testing. Allele origin: germline.
Comment: The p.E324G variant (also known as c.971A>G), located in coding exon 6 of the IDH1 gene, results from an A to G substitution at nucleotide position 971. The glutamic acid at codon 324 is replaced by glycine, an amino acid with similar properties. This amino acid position is conserved. In addition, this alteration is predicted to be deleterious by in silico analysis. Based on the available evidence, the clinical significance of this variant remains unclear.